The following is an entry in ClinVar:

ClinVar aggregate classification (germline): Uncertain significance (1 of 4 stars; one submission).

Conditions:
EGFR-related lung cancer (EGFR). Identifiers: MedGen CN130014.

Allele frequency attached by ClinVar (database versions not stated): gnomAD exomes below 0.00001; ExAC 0.00001.
gnomAD v4.1: 4 of 1,614,234 alleles (0.00025%); highest among the groups gnomAD compares: Middle Eastern, 0.016%; no homozygotes.

Submission:

Labcorp Genetics (formerly Invitae), Labcorp
Classification: Uncertain significance for EGFR-related lung cancer. Last evaluated: 2023-01-18. Review status: criteria provided, single submitter. Criteria: Invitae Variant Classification Sherloc (09022015). Collection method: clinical testing. Allele origin: germline.
Comment: In summary, the available evidence is currently insufficient to determine the role of this variant in disease. Therefore, it has been classified as a Variant of Uncertain Significance. This sequence change replaces threonine, which is neutral and polar, with serine, which is neutral and polar, at codon 570 of the EGFR protein (p.Thr570Ser). This variant is present in population databases (rs774558548, gnomAD 0.003%). This variant has not been reported in the literature in individuals affected with EGFR-related conditions. Advanced modeling of protein sequence and biophysical properties (such as structural, functional, and spatial information, amino acid conservation, physicochemical variation, residue mobility, and thermodynamic stability) performed at Invitae indicates that this missense variant is not expected to disrupt EGFR protein function.

NM_005228.5(EGFR):c.1709C>G (p.Thr570Ser)

Gene: EGFR (epidermal growth factor receptor; plus strand). Cytogenetic location: 7p11.2.
Variant type: single nucleotide variant.
Coding change: c.1709C>G on transcript NM_005228.5 (MANE Select); coding-DNA position 1709, C replaced by G.
Protein change: p.Thr570Ser; replaces threonine 570 with serine.
Molecular consequence: missense variant.
Genome position (GRCh38, 1-based): chr7:55,163,810, C>G. VCF-style: chr7-55163810-C-G. GRCh37 (hg19) VCF-style: chr7-55231503-C-G.
Other names: c.1574C>G, p.Thr525Ser (NM_001346897.2, NM_001346899.2); c.1709C>G, p.Thr570Ser (NM_001346898.2, NM_201282.2, NM_201284.2); c.1550C>G, p.Thr517Ser (NM_001346900.2); c.908C>G, p.Thr303Ser (NM_001346941.2); short protein forms T303S, T517S, T570S, T525S.
Identifiers: ClinVar variation 2995777 (VCV002995777.3), dbSNP rs774558548, ClinGen allele CA4265662.